The following is an entry in ClinVar:

NM_002474.3(MYH11):c.1850A>G (p.Asp617Gly)

Gene: MYH11 (myosin heavy chain 11; minus strand). Cytogenetic location: 16p13.11.
Variant type: single nucleotide variant.
Coding change: c.1850A>G on transcript NM_002474.3 (MANE Select); coding-DNA position 1850, A replaced by G.
Protein change: p.Asp617Gly; replaces aspartic acid 617 with glycine.
Molecular consequence: missense variant.
Genome position (GRCh38, 1-based): chr16:15,753,408, T>C on the plus strand (A>G on the coding strand, the complement: MYH11 is on the minus strand). VCF-style: chr16-15753408-T-C. GRCh37 (hg19) VCF-style: chr16-15847265-T-C.
Other names: c.1871A>G, p.Asp624Gly (NM_001040113.2, NM_001040114.2); c.1850A>G, p.Asp617Gly (NM_022844.3); short protein forms D617G, D624G.
Identifiers: ClinVar variation 3069762 (VCV003069762.1), dbSNP rs1233867074, ClinGen allele CA394869285.

ClinVar aggregate classification (germline): Uncertain significance (1 of 4 stars; one submission).

Conditions:
Familial thoracic aortic aneurysm and aortic dissection (TAAD). Also called: Thoracic aortic aneurysms and dissections. Identifiers: Orphanet 91387, MedGen C4707243, MONDO:0019625.

Allele frequency attached by ClinVar (database versions not stated): gnomAD exomes below 0.00001; TOPMed below 0.00001; gnomAD 0.00001.
gnomAD v4.1: 5 of 1,613,874 alleles (0.00031%); highest among the groups gnomAD compares: Admixed American, 0.0033%; no homozygotes.

Submission:

All of Us Research Program, National Institutes of Health
Classification: Uncertain significance for Familial thoracic aortic aneurysm and aortic dissection. Last evaluated: 2023-05-31. Review status: criteria provided, single submitter. Criteria: ACMG Guidelines, 2015. Collection method: clinical testing. Allele origin: germline. Inheritance: Autosomal dominant inheritance. Observed: 2 variant alleles, 2 heterozygotes.
Comment: This missense variant replaces aspartic acid with glycine at codon 624 of the MYH11 protein. Computational prediction is inconclusive regarding the impact of this variant on protein structure and function (internally defined REVEL score threshold 0.5 < inconclusive < 0.7, PMID: 27666373). To our knowledge, functional studies have not been reported for this variant. This variant has not been reported in individuals affected with MYH11-related disorders in the literature. This variant has been identified in 1/251470 chromosomes in the general population by the Genome Aggregation Database (gnomAD). The available evidence is insufficient to determine the role of this variant in disease conclusively. Therefore, this variant is classified as a Variant of Uncertain Significance.

This study involves interpretation of variants in research participants for the purpose of population health screening. Participant phenotype was not available at the time of variant classification. Additional details can be found in publication PMID: 35346344, PMCID: PMC8962531